The following is an entry in ClinVar:

ClinVar aggregate classification (germline): Uncertain significance (1 of 4 stars; one submission).

Conditions:
Nemaline myopathy 8 (NEM8). Also called: Nemaline myopathy 8, autosomal recessive. Identifiers: Orphanet 171430, MedGen C3809209, MONDO:0014138, OMIM 615348.

Allele frequency attached by ClinVar (database versions not stated): gnomAD exomes below 0.00001; ExAC 0.00001; gnomAD 0.00001; TOPMed 0.00002.
gnomAD v4.1: 2 of 1,613,954 alleles (0.00012%); highest among the groups gnomAD compares: African/African-American, 0.0027%; no homozygotes.

Submission:

Labcorp Genetics (formerly Invitae), Labcorp
Classification: Uncertain significance for Nemaline myopathy 8. Last evaluated: 2019-05-25. Review status: criteria provided, single submitter. Criteria: Invitae Variant Classification Sherloc (09022015). Collection method: clinical testing. Allele origin: germline.
Comment: This variant has not been reported in the literature in individuals with KLHL40-related disease. In summary, the available evidence is currently insufficient to determine the role of this variant in disease. Therefore, it has been classified as a Variant of Uncertain Significance. Algorithms developed to predict the effect of missense changes on protein structure and function are either unavailable or do not agree on the potential impact of this missense change (SIFT: "Tolerated"; PolyPhen-2: "Benign"; Align-GVGD: "Class C0"). This sequence change replaces cysteine with serine at codon 340 of the KLHL40 protein (p.Cys340Ser). The cysteine residue is highly conserved and there is a moderate physicochemical difference between cysteine and serine. This variant is present in population databases (rs758244161, ExAC 0.01%).

NM_152393.4(KLHL40):c.1019G>C (p.Cys340Ser)

Gene: KLHL40 (kelch like family member 40; plus strand). Cytogenetic location: 3p22.1.
Variant type: single nucleotide variant.
Coding change: c.1019G>C on transcript NM_152393.4 (MANE Select); coding-DNA position 1019, G replaced by C.
Protein change: p.Cys340Ser; replaces cysteine 340 with serine.
Molecular consequence: missense variant.
Genome position (GRCh38, 1-based): chr3:42,686,637, G>C. VCF-style: chr3-42686637-G-C. GRCh37 (hg19) VCF-style: chr3-42728129-G-C.
Other names: short protein forms C340S.
Identifiers: ClinVar variation 642847 (VCV000642847.7), dbSNP rs758244161, ClinGen allele CA2336781.